The following is an entry in ClinVar:

ClinVar aggregate classification (germline): Uncertain significance (1 of 4 stars; one submission).

Conditions:
Spastic paraplegia. Identifiers: MedGen C0037772, HP:0001258.

Allele frequency attached by ClinVar (database versions not stated): TOPMed below 0.00001.

Submission:

Labcorp Genetics (formerly Invitae), Labcorp
Classification: Uncertain significance for Spastic paraplegia. Last evaluated: 2022-07-13. Review status: criteria provided, single submitter. Criteria: Invitae Variant Classification Sherloc (09022015). Collection method: clinical testing. Allele origin: germline.
Comment: This sequence change replaces alanine, which is neutral and non-polar, with serine, which is neutral and polar, at codon 346 of the SLC33A1 protein (p.Ala346Ser). This variant is not present in population databases (gnomAD no frequency). This variant has not been reported in the literature in individuals affected with SLC33A1-related conditions. Algorithms developed to predict the effect of missense changes on protein structure and function (SIFT, PolyPhen-2, Align-GVGD) all suggest that this variant is likely to be disruptive. In summary, the available evidence is currently insufficient to determine the role of this variant in disease. Therefore, it has been classified as a Variant of Uncertain Significance.

NM_004733.4(SLC33A1):c.1036G>T (p.Ala346Ser)

Gene: SLC33A1 (solute carrier family 33 member 1; minus strand). Cytogenetic location: 3q25.31.
Variant type: single nucleotide variant.
Coding change: c.1036G>T on transcript NM_004733.4 (MANE Select); coding-DNA position 1036, G replaced by T.
Protein change: p.Ala346Ser; replaces alanine 346 with serine.
Molecular consequence: missense variant.
Genome position (GRCh38, 1-based): chr3:155,833,969, C>A on the plus strand (G>T on the coding strand, the complement: SLC33A1 is on the minus strand). VCF-style: chr3-155833969-C-A. GRCh37 (hg19) VCF-style: chr3-155551758-C-A.
Other names: c.1036G>T, p.Ala346Ser (NM_001190992.2); c.848G>T, p.Ser283Ile (NM_001363883.1); short protein forms S283I, A346S.
Identifiers: ClinVar variation 2016627 (VCV002016627.4), dbSNP rs1752557153, ClinGen allele CA355141393.